The following is an entry in ClinVar:

NM_000264.5(PTCH1):c.768del (p.Arg255_Trp256insTer)

Gene: PTCH1 (patched 1; minus strand). Cytogenetic location: 9q22.32.
Variant type: Deletion.
Coding change: c.768del on transcript NM_000264.5 (MANE Select); coding-DNA position 768, one base deleted (G; older notation c.768delG).
Protein change: p.Arg255_Trp256insTer.
Molecular consequence: nonsense. On other transcripts: non-coding transcript variant (1).
Genome position (GRCh38, 1-based): chr9:95,480,567, C deleted on the plus strand (G on the coding strand, the reverse complement: PTCH1 is on the minus strand); the first of 2 consecutive C bases (chr9:95,480,567-95,480,568); deleting either gives the same sequence. VCF-style (leftmost placement, unchanged base first): chr9-95480566-TC-T. GRCh37 (hg19) VCF-style: chr9-98242848-TC-T.
Other names: c.570del, p.Arg189_Trp190insTer (NM_001083602.3); c.765del, p.Arg254_Trp255insTer (NM_001083603.3); c.315del, p.Arg104_Trp105insTer (NM_001083604.3, NM_001083605.3, NM_001083606.3 and 1 more transcripts); c.768del, p.Arg255_Trp256insTer (NM_001354918.2).
Identifiers: ClinVar variation 575174 (VCV000575174.1), dbSNP rs1564055868, ClinGen allele CA891843145.

ClinVar aggregate classification (germline): Pathogenic (1 of 4 stars; one submission).

Conditions:
Gorlin syndrome. Also called: Basal cell nevus syndrome; Nevoid Basal Cell Carcinoma Syndrome. Identifiers: Orphanet 377, MedGen C0004779, MONDO:0007187.

Submission:

Labcorp Genetics (formerly Invitae), Labcorp
Classification: Pathogenic for Gorlin syndrome. Last evaluated: 2018-06-17. Review status: criteria provided, single submitter. Criteria: Invitae Variant Classification Sherloc (09022015). Collection method: clinical testing. Allele origin: germline.
Comment: This sequence change creates a premature translational stop signal (p.Trp256*) in the PTCH1 gene. It is expected to result in an absent or disrupted protein product. This variant is not present in population databases (ExAC no frequency). This variant has not been reported in the literature in individuals with PTCH1-related disease. Loss-of-function variants in PTCH1 are known to be pathogenic (PMID: 16301862, 16419085). For these reasons, this variant has been classified as Pathogenic.